The following is an entry in ClinVar:

ClinVar aggregate classification (germline): Uncertain significance. Review status: criteria provided, multiple submitters, no conflicts (2 of 4 stars). 2 submissions from 2 submitters: Uncertain significance (2). Last evaluated 2022-06-14.

gnomAD v4.1: 74 of 1,612,970 alleles (0.0046%); highest among the groups gnomAD compares: East Asian, 0.0089%; no homozygotes.

Submissions (2):

Labcorp Genetics (formerly Invitae), Labcorp
Classification: Uncertain significance. Last evaluated: 2022-06-14. Review status: criteria provided, single submitter. Criteria: Invitae Variant Classification Sherloc (09022015). Collection method: clinical testing. Allele origin: germline.
Comment: This sequence change replaces glutamic acid, which is acidic and polar, with aspartic acid, which is acidic and polar, at codon 526 of the LOXL3 protein (p.Glu526Asp). This variant is present in population databases (rs767305617, gnomAD 0.01%). This variant has not been reported in the literature in individuals affected with LOXL3-related conditions. Algorithms developed to predict the effect of missense changes on protein structure and function are either unavailable or do not agree on the potential impact of this missense change (SIFT: "Deleterious"; PolyPhen-2: "Benign"; Align-GVGD: "Class C0"). In summary, the available evidence is currently insufficient to determine the role of this variant in disease. Therefore, it has been classified as a Variant of Uncertain Significance.

Ambry Genetics
Classification: Uncertain significance. Last evaluated: 2022-05-27. Review status: criteria provided, single submitter. Criteria: Ambry Variant Classification Scheme 2023. Collection method: clinical testing. Allele origin: germline.

NM_032603.5(LOXL3):c.1578G>C (p.Glu526Asp)

Gene: LOXL3 (lysyl oxidase like 3; minus strand). Cytogenetic location: 2p13.1.
Variant type: single nucleotide variant.
Coding change: c.1578G>C on transcript NM_032603.5 (MANE Select); coding-DNA position 1578, G replaced by C.
Protein change: p.Glu526Asp; replaces glutamic acid 526 with aspartic acid.
Molecular consequence: missense variant.
Genome position (GRCh38, 1-based): chr2:74,535,293, C>G on the plus strand (G>C on the coding strand, the complement: LOXL3 is on the minus strand). VCF-style: chr2-74535293-C-G. GRCh37 (hg19) VCF-style: chr2-74762420-C-G.
Other names: c.1143G>C, p.Glu381Asp (NM_001289164.3); c.495G>C, p.Glu165Asp (NM_001289165.2); c.1578G>C (NM_032603.2); short protein forms E165D, E381D, E526D.
Identifiers: ClinVar variation 1391414 (VCV001391414.4), dbSNP rs767305617, ClinGen allele CA1728859.